The following is an entry in ClinVar:

ClinVar aggregate classification (germline): Benign (1 of 4 stars; one submission).

Submission:

Unidad de Genómica Garrahan, Hospital de Pediatría Garrahan
Classification: Benign. Last evaluated: 2023-11-12. Review status: criteria provided, single submitter. Criteria: ACMG Guidelines, 2015. Collection method: clinical testing. Allele origin: germline. Affected: no. Observed: 24 variant alleles.
Comment: This variant is classified as Benign based on local population frequency. This variant was detected in 25% of patients studied by a panel of primary immunodeficiencies. Number of patients: 24. Only high quality variants are reported.

NM_006949.4(STXBP2):c.902+32dup

Gene: STXBP2 (syntaxin binding protein 2; plus strand). Cytogenetic location: 19p13.2.
Variant type: Duplication.
Coding change: c.902+32dup on transcript NM_006949.4 (MANE Select); 32 bases into the intron after coding-DNA position 902, one base duplicated (C; older notation c.902+32dupC).
Molecular consequence: intron variant.
Genome position (GRCh38, 1-based): chr19:7,642,568, C duplicated; the last of 9 consecutive C bases (chr19:7,642,560-7,642,568); duplicating any one gives the same sequence. VCF-style (leftmost placement, unchanged base first): chr19-7642559-T-TC. GRCh37 (hg19) VCF-style: chr19-7707445-T-TC.
Other names: c.806+32dup (NM_001414484.1); c.935+32dup (NM_001272034.2); c.893+32dup (NM_001127396.3).
Identifiers: ClinVar variation 2628259 (VCV002628259.2), dbSNP rs145351567, ClinGen allele CA9143836.